The following is an entry in ClinVar:

NM_000059.4(BRCA2):c.6106C>T (p.Pro2036Ser)

Gene: BRCA2 (BRCA2 DNA repair associated; plus strand). Cytogenetic location: 13q13.1.
Variant type: single nucleotide variant.
Coding change: c.6106C>T on transcript NM_000059.4 (MANE Select); coding-DNA position 6106, C replaced by T.
Protein change: p.Pro2036Ser; replaces proline 2036 with serine.
Molecular consequence: missense variant.
Genome position (GRCh38, 1-based): chr13:32,340,461, C>T. VCF-style: chr13-32340461-C-T. GRCh37 (hg19) VCF-style: chr13-32914598-C-T.
Other names: short protein forms P2036S.
Identifiers: ClinVar variation 142816 (VCV000142816.22), dbSNP rs587782740, ClinGen allele CA023659.

ClinVar aggregate classification (germline): Conflicting classifications of pathogenicity. Review status: criteria provided, conflicting classifications (1 of 4 stars). 5 submissions from 5 submitters: Uncertain significance (4); Likely benign (1). Last evaluated 2024-08-30.

Conditions:
Hereditary cancer-predisposing syndrome. Also called: Hereditary Cancer Syndrome; Neoplastic Syndromes, Hereditary; Hereditary neoplastic syndrome; Tumor predisposition. Identifiers: Orphanet 140162, MedGen C0027672, MeSH D009386, MONDO:0015356.
Hereditary breast ovarian cancer syndrome. Also called: BRCA1- and BRCA2-Associated Hereditary Breast and Ovarian Cancer; Hereditary breast and ovarian cancer syndrome; Hereditary breast and/or ovarian cancer syndrome; Breast and ovarian cancer; Hereditary breast and ovarian cancer; Hereditary breast and ovarian cancer syndrome (HBOC). Identifiers: Orphanet 145, MedGen C0677776, MeSH D061325, MONDO:0003582. Disease mechanism: loss of function.

Allele frequency attached by ClinVar (database versions not stated): gnomAD exomes below 0.00001 and 0.00001.
gnomAD v4.1: 2 of 1,613,726 alleles (0.00012%); highest among the groups gnomAD compares: South Asian, 0.0011%; no homozygotes.

Submissions (5):

Ambry Genetics
Classification: Uncertain significance for Hereditary cancer-predisposing syndrome. Last evaluated: 2024-08-30. Review status: criteria provided, single submitter. Criteria: Ambry Variant Classification Scheme 2023. Collection method: clinical testing. Allele origin: germline.
Comment: The p.P2036S variant (also known as c.6106C>T), located in coding exon 10 of the BRCA2 gene, results from a C to T substitution at nucleotide position 6106. The proline at codon 2036 is replaced by serine, an amino acid with similar properties. This amino acid position is not well conserved in available vertebrate species. In addition, this alteration is predicted to be tolerated by in silico analysis. Since supporting evidence is limited at this time, the clinical significance of this alteration remains unclear.

Labcorp Genetics (formerly Invitae), Labcorp
Classification: Uncertain significance for Hereditary breast ovarian cancer syndrome. Last evaluated: 2024-08-29. Review status: criteria provided, single submitter. Criteria: Invitae Variant Classification Sherloc (09022015). Collection method: clinical testing. Allele origin: germline.
Comment: This sequence change replaces proline, which is neutral and non-polar, with serine, which is neutral and polar, at codon 2036 of the BRCA2 protein (p.Pro2036Ser). This variant is present in population databases (rs587782740, gnomAD 0.003%). This variant has not been reported in the literature in individuals affected with BRCA2-related conditions. ClinVar contains an entry for this variant (Variation ID: 142816). Invitae Evidence Modeling of protein sequence and biophysical properties (such as structural, functional, and spatial information, amino acid conservation, physicochemical variation, residue mobility, and thermodynamic stability) indicates that this missense variant is not expected to disrupt BRCA2 protein function with a negative predictive value of 95%. In summary, the available evidence is currently insufficient to determine the role of this variant in disease. Therefore, it has been classified as a Variant of Uncertain Significance.

University of Washington Department of Laboratory Medicine, University of Washington
Classification: Likely benign for Hereditary cancer-predisposing syndrome. Last evaluated: 2023-03-23. Review status: criteria provided, single submitter. Criteria: Dines et al. (Genet Med. 2020). Collection method: curation. Allele origin: germline.
Comment: Missense variant in a coldspot region where missense variants are very unlikely to be pathogenic (PMID:31911673).

BRCA2 exon 11 coldspot. Reclassification based on statistical prior probability.

Color Diagnostics, LLC DBA Color Health
Classification: Uncertain significance for Hereditary cancer-predisposing syndrome. Last evaluated: 2021-09-18. Review status: criteria provided, single submitter. Criteria: ACMG Guidelines, 2015. Collection method: clinical testing. Allele origin: germline.
Comment: This missense variant replaces proline with serine at codon 2036 of the BRCA2 protein. Computational prediction suggests that this variant may not impact protein structure and function (internally defined REVEL score threshold <= 0.5, PMID: 27666373). To our knowledge, functional studies have not been reported for this variant. This variant has not been reported in individuals affected with hereditary cancer in the literature. This variant has been identified in 2/250954 chromosomes in the general population by the Genome Aggregation Database (gnomAD). The available evidence is insufficient to determine the role of this variant in disease conclusively. Therefore, this variant is classified as a Variant of Uncertain Significance.

Quest Diagnostics Nichols Institute San Juan Capistrano
Classification: Uncertain significance. Last evaluated: 2016-12-24. Review status: criteria provided, single submitter. Criteria: Quest Diagnostics criteria. Collection method: clinical testing. Allele origin: germline.